The following is an entry in ClinVar:

ClinVar aggregate classification (germline): Uncertain significance (1 of 4 stars; one submission).

Submission:

Labcorp Genetics (formerly Invitae), Labcorp
Classification: Uncertain significance. Last evaluated: 2022-02-17. Review status: criteria provided, single submitter. Criteria: Invitae Variant Classification Sherloc (09022015). Collection method: clinical testing. Allele origin: germline.
Comment: This sequence change creates a premature translational stop signal (p.Tyr675Ilefs*12) in the P3H2 gene. While this is not anticipated to result in nonsense mediated decay, it is expected to disrupt the last 34 amino acid(s) of the P3H2 protein. This variant is present in population databases (no rsID available, gnomAD 0.0009%). This variant has not been reported in the literature in individuals affected with P3H2-related conditions. Experimental studies and prediction algorithms are not available or were not evaluated, and the functional significance of this variant is currently unknown. Algorithms developed to predict the effect of sequence changes on RNA splicing suggest that this variant is not likely to affect RNA splicing. In summary, the available evidence is currently insufficient to determine the role of this variant in disease. Therefore, it has been classified as a Variant of Uncertain Significance.

NM_018192.4(P3H2):c.2023del (p.Tyr675fs)

Gene: P3H2 (prolyl 3-hydroxylase 2; minus strand). Cytogenetic location: 3q28.
Variant type: Deletion.
Coding change: c.2023del on transcript NM_018192.4 (MANE Select); coding-DNA position 2023, one base deleted (T; older notation c.2023delT).
Protein change: p.Tyr675fs; shifts the reading frame from tyrosine 675.
Molecular consequence: frameshift variant.
Genome position (GRCh38, 1-based): chr3:189,963,969, A deleted on the plus strand (T on the coding strand, the reverse complement: P3H2 is on the minus strand); the first of 3 consecutive A bases (chr3:189,963,969-189,963,971); deleting any one gives the same sequence. VCF-style (leftmost placement, unchanged base first): chr3-189963968-TA-T. GRCh37 (hg19) VCF-style: chr3-189681757-TA-T.
Other names: c.1480del, p.Tyr494fs (NM_001134418.2); short protein forms Y675fs, Y494fs.
Identifiers: ClinVar variation 1909976 (VCV001909976.2), dbSNP rs1295895682, ClinGen allele CA548491745.